The following is an entry in ClinVar:

NM_016333.4(SRRM2):c.1184C>G (p.Ser395Cys)

Gene: SRRM2 (serine/arginine repetitive matrix 2; plus strand). Cytogenetic location: 16p13.3.
Variant type: single nucleotide variant.
Coding change: c.1184C>G on transcript NM_016333.4 (MANE Select); coding-DNA position 1184, C replaced by G.
Protein change: p.Ser395Cys; replaces serine 395 with cysteine.
Molecular consequence: missense variant.
Genome position (GRCh38, 1-based): chr16:2,761,712, C>G. VCF-style: chr16-2761712-C-G. GRCh37 (hg19) VCF-style: chr16-2811713-C-G.
Other names: short protein forms S395C.
Identifiers: ClinVar variation 5009127 (VCV005009127.1).

ClinVar aggregate classification (germline): Uncertain significance (1 of 4 stars; one submission).

gnomAD v4.1: 1 of 1,606,840 alleles (0.000062%); highest among the groups gnomAD compares: Non-Finnish European, 0.000085%; no homozygotes.

Submission:

GeneDx
Classification: Uncertain significance. Last evaluated: 2026-02-15. Review status: criteria provided, single submitter. Criteria: GeneDx Variant Classification Process June 2021. Collection method: clinical testing. Allele origin: germline.
Comment: Not observed at significant frequency in large population cohorts (gnomAD); In silico analysis suggests that this missense variant does not alter protein structure/function; Has not been previously published as pathogenic or benign to our knowledge